The following is an entry in ClinVar:

ClinVar aggregate classification (germline): Uncertain significance. Review status: criteria provided, multiple submitters, no conflicts (2 of 4 stars). 2 submissions from 2 submitters: Uncertain significance (2). Last evaluated 2026-03-23.

Conditions:
Hereditary cancer-predisposing syndrome. Also called: Neoplastic Syndromes, Hereditary; Hereditary Cancer Syndrome; Hereditary neoplastic syndrome; Tumor predisposition. Identifiers: Orphanet 140162, MedGen C0027672, MeSH D009386, MONDO:0015356.
Gastrointestinal stromal tumor. Also called: Gastrointestinal stromal tumor, somatic; Gastrointestinal stroma tumor. Identifiers: Orphanet 44890, MedGen C0238198, MeSH D046152, MONDO:0011719, OMIM 606764, HP:0100723.

Submissions (2):

Ambry Genetics
Classification: Uncertain significance for Hereditary cancer-predisposing syndrome. Last evaluated: 2026-03-23. Review status: criteria provided, single submitter. Criteria: Ambry Variant Classification Scheme 2023. Collection method: clinical testing. Allele origin: germline.
Comment: The p.S923N variant (also known as c.2768G>A), located in coding exon 19 of the PDGFRA gene, results from a G to A substitution at nucleotide position 2768. The serine at codon 923 is replaced by asparagine, an amino acid with highly similar properties. This amino acid position is not well conserved in available vertebrate species. In addition, this alteration is predicted to be tolerated by in silico analysis. Based on the available evidence, the clinical significance of this variant remains unclear.

Labcorp Genetics (formerly Invitae), Labcorp
Classification: Uncertain significance for Gastrointestinal stromal tumor. Last evaluated: 2026-01-30. Review status: criteria provided, single submitter. Criteria: Invitae Variant Classification Sherloc (09022015). Collection method: clinical testing. Allele origin: germline.
Comment: This sequence change replaces serine, which is neutral and polar, with asparagine, which is neutral and polar, at codon 923 of the PDGFRA protein (p.Ser923Asn). This variant is not present in population databases (gnomAD no frequency). This variant has not been reported in the literature in individuals affected with PDGFRA-related conditions. ClinVar contains an entry for this variant (Variation ID: 1006203). Invitae Evidence Modeling of protein sequence and biophysical properties (such as structural, functional, and spatial information, amino acid conservation, physicochemical variation, residue mobility, and thermodynamic stability) indicates that this missense variant is not expected to disrupt PDGFRA protein function with a negative predictive value of 80%. In summary, the available evidence is currently insufficient to determine the role of this variant in disease. Therefore, it has been classified as a Variant of Uncertain Significance.

NM_006206.6(PDGFRA):c.2768G>A (p.Ser923Asn)

Gene: PDGFRA (platelet derived growth factor receptor alpha; plus strand). Cytogenetic location: 4q12.
Variant type: single nucleotide variant.
Coding change: c.2768G>A on transcript NM_006206.6 (MANE Select); coding-DNA position 2768, G replaced by A.
Protein change: p.Ser923Asn; replaces serine 923 with asparagine.
Molecular consequence: missense variant.
Genome position (GRCh38, 1-based): chr4:54,288,892, G>A. VCF-style: chr4-54288892-G-A. GRCh37 (hg19) VCF-style: chr4-55155059-G-A.
Other names: c.2768G>A (NM_006206.4); c.2843G>A, p.Ser948Asn (NM_001347828.2); c.2768G>A, p.Ser923Asn (NM_001347829.2); c.2807G>A, p.Ser936Asn (NM_001347830.2); short protein forms S923N, S936N, S948N.
Identifiers: ClinVar variation 1006203 (VCV001006203.10), dbSNP rs1060501511, ClinGen allele CA356895612.